The following is an entry in ClinVar:

NM_006950.3(SYN1):c.248_264del (p.Ala83fs)

Gene: SYN1 (synapsin I; minus strand). Cytogenetic location: Xp11.23.
Variant type: Deletion.
Coding change: c.248_264del on transcript NM_006950.3 (MANE Select); coding-DNA positions 248 to 264, 17 bases deleted (CGGTCAAGCAGACCACG).
Protein change: p.Ala83fs; shifts the reading frame from alanine 83.
Molecular consequence: frameshift variant.
Genome position (GRCh38, 1-based): chrX:47,619,465-47,619,481, CGTGGTCTGCTTGACCG deleted on the plus strand (CGGTCAAGCAGACCACG on the coding strand, the reverse complement: SYN1 is on the minus strand); deleting any 17 consecutive bases within chrX:47,619,465-47,619,484 gives the same sequence; the c. name uses the placement nearest the transcript's 3' end. VCF-style (leftmost placement, unchanged base first): chrX-47619464-CCGTGGTCTGCTTGACCG-C. GRCh37 (hg19) VCF-style: chrX-47478863-CCGTGGTCTGCTTGACCG-C.
Other names: c.248_264del, p.Ala83fs (NM_133499.2); short protein forms A83fs.
Identifiers: ClinVar variation 954957 (VCV000954957.8), dbSNP rs2057941229, ClinGen allele CA1139667506.

ClinVar aggregate classification (germline): Pathogenic (1 of 4 stars; one submission).

Conditions:
Epilepsy, X-linked 1, with variable learning disabilities and behavior disorders. Also called: X-linked epilepsy-learning disabilities-behavior disorders syndrome. Identifiers: Orphanet 85294, MedGen C5774177, MONDO:0010339, OMIM 300491.

Submission:

Labcorp Genetics (formerly Invitae), Labcorp
Classification: Pathogenic for Epilepsy, X-linked 1, with variable learning disabilities and behavior disorders. Last evaluated: 2022-03-19. Review status: criteria provided, single submitter. Criteria: Invitae Variant Classification Sherloc (09022015). Collection method: clinical testing. Allele origin: germline.
Comment: This sequence change creates a premature translational stop signal (p.Ala83Glyfs*52) in the SYN1 gene. It is expected to result in an absent or disrupted protein product. Loss-of-function variants in SYN1 are known to be pathogenic (PMID: 14985377, 21441247). This variant is not present in population databases (gnomAD no frequency). This variant has not been reported in the literature in individuals affected with SYN1-related conditions. ClinVar contains an entry for this variant (Variation ID: 954957). For these reasons, this variant has been classified as Pathogenic.

Literature cited by the submitters: PubMed 14985377; PubMed 21441247.